The following is an entry in ClinVar:

NM_001365951.3(KIF1B):c.4786G>C (p.Glu1596Gln)

Gene: KIF1B (kinesin family member 1B; plus strand). Cytogenetic location: 1p36.22.
Variant type: single nucleotide variant.
Coding change: c.4786G>C on transcript NM_001365951.3 (MANE Select); coding-DNA position 4786, G replaced by C.
Protein change: p.Glu1596Gln; replaces glutamic acid 1596 with glutamine.
Molecular consequence: missense variant.
Genome position (GRCh38, 1-based): chr1:10,368,500, G>C. VCF-style: chr1-10368500-G-C. GRCh37 (hg19) VCF-style: chr1-10428558-G-C.
Other names: c.4786G>C, p.Glu1596Gln (NM_001365952.1); c.4648G>C, p.Glu1550Gln (NM_015074.3); short protein forms E1550Q, E1596Q.
Identifiers: ClinVar variation 2448707 (VCV002448707.2), dbSNP rs2521934748, ClinGen allele CA338324255.

ClinVar aggregate classification (germline): Uncertain significance (1 of 4 stars; one submission).

Submission:

Ambry Genetics
Classification: Uncertain significance. Last evaluated: 2022-11-15. Review status: criteria provided, single submitter. Criteria: Ambry Variant Classification Scheme 2023. Collection method: clinical testing. Allele origin: germline.
Comment: The p.E1550Q variant (also known as c.4648G>C), located in coding exon 41 of the KIF1B gene, results from a G to C substitution at nucleotide position 4648. The glutamic acid at codon 1550 is replaced by glutamine, an amino acid with highly similar properties. This amino acid position is conserved. In addition, the in silico prediction for this alteration is inconclusive. Since supporting evidence is limited at this time, the clinical significance of this alteration remains unclear.